The following is an entry in ClinVar:

NM_004006.3(DMD):c.10423T>C (p.Tyr3475His)

Gene: DMD (dystrophin; minus strand). Cytogenetic location: Xp21.2.
Variant type: single nucleotide variant.
Coding change: c.10423T>C on transcript NM_004006.3 (MANE Select); coding-DNA position 10423, T replaced by C.
Protein change: p.Tyr3475His; replaces tyrosine 3475 with histidine.
Molecular consequence: missense variant. On other transcripts: intron variant (2).
Genome position (GRCh38, 1-based): chrX:31,169,573, A>G on the plus strand (T>C on the coding strand, the complement: DMD is on the minus strand). VCF-style: chrX-31169573-A-G. GRCh37 (hg19) VCF-style: chrX-31187690-A-G.
Other names: c.10411T>C, p.Tyr3471His (NM_004009.3); c.10054T>C, p.Tyr3352His (NM_004010.3); c.6400T>C, p.Tyr2134His (NM_004011.4); c.6391T>C, p.Tyr2131His (NM_004012.4); c.3043T>C, p.Tyr1015His (NM_004013.3, NM_004021.3); c.2236T>C, p.Tyr746His (NM_004014.3); c.1219T>C, p.Tyr407His (NM_004015.3, NM_004016.3); c.1180T>C, p.Tyr394His (NM_004017.3, NM_004018.3); and 3 more; short protein forms Y3352H, Y407H, Y1002H, Y2131H, Y2134H, Y3467H, Y1015H, Y3471H.
Identifiers: ClinVar variation 4996586 (VCV004996586.1).
Genomic context (GRCh38, chrX:31,169,573, plus strand): 5'-AGATCTGGGCAGGACTACGAGGCTGGCTCAGGGGGGAGTCCTGGTTCAAACTTTGGCAGT[A>G]ATGCTGGATTAACAAATGTTCATCATCTCTGGAAAATAAAATCAAAGGTTTTGGTTTTTT-3'
Protein context (NP_003997.2, residues 3465-3485): IDDEHLLIQH[Tyr3475His]CQSLNQDSPL

ClinVar aggregate classification (germline): Uncertain significance (1 of 4 stars; one submission).

Conditions:
DMD-related disorder. Also called: DMD-related condition.

gnomAD v4.1: 1 of 1,204,685 alleles (0.000083%); highest among the groups gnomAD compares: African/African-American, 0.0017%; no homozygotes.

Submission:

PreventionGenetics, part of Exact Sciences
Classification: Uncertain significance for DMD-related condition. Last evaluated: 2025-10-13. Review status: criteria provided, single submitter. Criteria: ACMG Guidelines, 2015. Collection method: clinical testing. Allele origin: germline.
Comment: The DMD c.10423T>C variant is predicted to result in the amino acid substitution p.Tyr3475His. To our knowledge, this variant has not been reported in the literature or in a large population database (gnomAD), indicating this variant is rare. At this time, the clinical significance of this variant is uncertain due to the absence of conclusive functional and genetic evidence.